The following is an entry in ClinVar:

NM_000701.8(ATP1A1):c.2531T>C (p.Leu844Pro)

Genes: ATP1A1-AS1 (ATP1A1 antisense RNA 1; minus strand), ATP1A1 (ATPase Na+/K+ transporting subunit alpha 1; plus strand). Cytogenetic location: 1p13.1.
Variant type: single nucleotide variant.
Coding change: c.2531T>C on transcript NM_000701.8 (MANE Select); coding-DNA position 2531, T replaced by C.
Protein change: p.Leu844Pro; replaces leucine 844 with proline.
Molecular consequence: missense variant.
Genome position (GRCh38, 1-based): chr1:116,399,502, T>C. VCF-style: chr1-116399502-T-C. GRCh37 (hg19) VCF-style: chr1-116942124-T-C.
Other names: c.2531T>C, p.Leu844Pro (NM_001160233.2); c.2438T>C, p.Leu813Pro (NM_001160234.2); short protein forms L813P, L844P.
Identifiers: ClinVar variation 1029934 (VCV001029934.3), dbSNP rs1653241392, ClinGen allele CA341774275.
Genomic context (GRCh38, chr1:116,399,502, plus strand): 5'-ATGAGCAGGCTGAGAGTGACATCATGAAGAGACAGCCCAGAAATCCCAAAACAGACAAAC[T>C]TGTGAATGAGCGGCTGATCAGCATGGCCTATGGGCAGATTGGTAAGCTGCAGCCTGGAGT-3'
Protein context (NP_000692.2, residues 834-854): RQPRNPKTDK[Leu844Pro]VNERLISMAY

ClinVar aggregate classification (germline): Likely pathogenic. Review status: criteria provided, multiple submitters, no conflicts (2 of 4 stars). 2 submissions from 2 submitters: Likely pathogenic (2). Last evaluated 2021-12-29.

Conditions:
Charcot-Marie-tooth disease, axonal, type 2DD. Also called: CHARCOT-MARIE-TOOTH NEUROPATHY, TYPE 2DD. Identifiers: Orphanet 521414, MedGen C4747974, MONDO:0054833, OMIM 618036.
Intellectual disability. Also called: Intellectual functioning disability; intellectual disabilities; Intellectual developmental disorder. Identifiers: MedGen C3714756, MeSH D008607, MONDO:0001071, HP:0001249.

Submissions (2):

Cytogénomique, Hospices Civils de Lyon
Classification: Likely pathogenic for Intellectual disability. Last evaluated: 2021-12-29. Review status: criteria provided, single submitter. Criteria: ACMG Guidelines, 2015. Collection method: clinical testing. Allele origin: de novo. Inheritance: Sporadic. Affected: yes. Observed: 1 variant allele, 1 heterozygote.
Comment: already in ClinVar. predicted deleterious, absent from gnomAD

Baylor Genetics
Classification: Likely pathogenic for Charcot-Marie-tooth disease, axonal, type 2DD. Last evaluated: 2020-10-30. Review status: criteria provided, single submitter. Criteria: ACMG Guidelines, 2015. Collection method: clinical testing. Allele origin: de novo. Affected: yes.
Comment: This variant was determined to be likely pathogenic according to ACMG Guidelines, 2015 [PMID:25741868].